The following is an entry in ClinVar:

ClinVar aggregate classification (germline): Uncertain significance. Review status: criteria provided, multiple submitters, no conflicts (2 of 4 stars). 2 submissions from 2 submitters: Uncertain significance (2). Last evaluated 2025-06-19.

Conditions:
Congenital disorder of glycosylation type Ir (CDG1R). Also called: DDOST-congenital disorder of glycosylation. Identifiers: Orphanet 300536, MedGen C3281084, MONDO:0013789, OMIM 614507.

Allele frequency attached by ClinVar (database versions not stated): ExAC 0.00001; gnomAD 0.00001; gnomAD exomes 0.00001.
gnomAD v4.1: 5 of 1,613,676 alleles (0.00031%); highest among the groups gnomAD compares: Admixed American, 0.0017%; no homozygotes.

Submissions (2):

Ambry Genetics
Classification: Uncertain significance. Last evaluated: 2025-06-19. Review status: criteria provided, single submitter. Criteria: Ambry Variant Classification Scheme 2023. Collection method: clinical testing. Allele origin: germline.

Labcorp Genetics (formerly Invitae), Labcorp
Classification: Uncertain significance for Congenital disorder of glycosylation type Ir. Last evaluated: 2022-08-06. Review status: criteria provided, single submitter. Criteria: Invitae Variant Classification Sherloc (09022015). Collection method: clinical testing. Allele origin: germline.
Comment: In summary, the available evidence is currently insufficient to determine the role of this variant in disease. Therefore, it has been classified as a Variant of Uncertain Significance. Algorithms developed to predict the effect of missense changes on protein structure and function (SIFT, PolyPhen-2, Align-GVGD) all suggest that this variant is likely to be tolerated. This variant has not been reported in the literature in individuals affected with DDOST-related conditions. This variant is present in population databases (rs756728875, gnomAD 0.003%). This sequence change replaces valine, which is neutral and non-polar, with glycine, which is neutral and non-polar, at codon 40 of the DDOST protein (p.Val40Gly).

NM_005216.5(DDOST):c.68T>G (p.Val23Gly)

Gene: DDOST (dolichyl-diphosphooligosaccharide--protein glycosyltransferase non-catalytic subunit; minus strand). Cytogenetic location: 1p36.12.
Variant type: single nucleotide variant.
Coding change: c.68T>G on transcript NM_005216.5 (MANE Select); coding-DNA position 68, T replaced by G.
Protein change: p.Val23Gly; replaces valine 23 with glycine.
Molecular consequence: missense variant.
Genome position (GRCh38, 1-based): chr1:20,661,283, A>C on the plus strand (T>G on the coding strand, the complement: DDOST is on the minus strand). VCF-style: chr1-20661283-A-C. GRCh37 (hg19) VCF-style: chr1-20987776-A-C.
Other names: c.119T>G (NM_005216.4); short protein forms V23G.
Identifiers: ClinVar variation 2123255 (VCV002123255.5), dbSNP rs756728875, ClinGen allele CA661373.